The following is an entry in ClinVar:

NM_006389.5(HYOU1):c.785G>A (p.Arg262Gln)

Gene: HYOU1 (hypoxia up-regulated 1; minus strand). Cytogenetic location: 11q23.3.
Variant type: single nucleotide variant.
Coding change: c.785G>A on transcript NM_006389.5 (MANE Select); coding-DNA position 785, G replaced by A.
Protein change: p.Arg262Gln; replaces arginine 262 with glutamine.
Molecular consequence: missense variant.
Genome position (GRCh38, 1-based): chr11:119,054,130, C>T on the plus strand (G>A on the coding strand, the complement: HYOU1 is on the minus strand). VCF-style: chr11-119054130-C-T. GRCh37 (hg19) VCF-style: chr11-118924842-C-T.
Other names: c.785G>A, p.Arg262Gln (NM_001130991.3); c.785G>A (NM_006389.3); short protein forms R262Q.
Identifiers: ClinVar variation 1471909 (VCV001471909.9), dbSNP rs373911051, ClinGen allele CA229647697.

ClinVar aggregate classification (germline): Uncertain significance. Review status: criteria provided, multiple submitters, no conflicts (2 of 4 stars). 3 submissions from 3 submitters: Uncertain significance (2). 1 of the submissions does not count toward it. Last evaluated 2025-09-09.

Conditions:
Granulocytopenia with immunoglobulin abnormality. Identifiers: MedGen C1856263, MONDO:0009305, OMIM 233600.

Allele frequency attached by ClinVar (database versions not stated): gnomAD exomes 0.00004; TOPMed 0.00009; gnomAD 0.00008; 1000 Genomes Project 30x 0.00062.
gnomAD v4.1: 78 of 1,610,368 alleles (0.0048%); highest among the groups gnomAD compares: African/African-American, 0.015%; no homozygotes.

Submissions (3):

Labcorp Genetics (formerly Invitae), Labcorp
Classification: Uncertain significance. Last evaluated: 2025-09-09. Review status: criteria provided, single submitter. Criteria: Invitae Variant Classification Sherloc (09022015). Collection method: clinical testing. Allele origin: germline.
Comment: This sequence change replaces arginine, which is basic and polar, with glutamine, which is neutral and polar, at codon 262 of the HYOU1 protein (p.Arg262Gln). This variant is present in population databases (rs373911051, gnomAD 0.02%). This variant has not been reported in the literature in individuals affected with HYOU1-related conditions. ClinVar contains an entry for this variant (Variation ID: 1471909). An algorithm developed to predict the effect of missense changes on protein structure and function outputs the following: PolyPhen-2: "Benign". The glutamine amino acid residue is found in multiple mammalian species, which suggests that this missense change does not adversely affect protein function. In summary, the available evidence is currently insufficient to determine the role of this variant in disease. Therefore, it has been classified as a Variant of Uncertain Significance.

Ambry Genetics
Classification: Uncertain significance. Last evaluated: 2025-05-16. Review status: criteria provided, single submitter. Criteria: Ambry Variant Classification Scheme 2023. Collection method: clinical testing. Allele origin: germline.

Molecular ImmunoRheumatology UMRS_1109, Institut national de la santé et de la recherche médicale
Classification: Pathogenic for Granulocytopenia with immunoglobulin abnormality. Last evaluated: 2026-05-21. Review status: no assertion criteria provided. Collection method: research. Allele origin: maternal. Inheritance: Autosomal recessive inheritance. Affected: yes. Observed: 1 variant allele, 1 compound heterozygote. Not counted in ClinVar's aggregate classification.
Comment: The variant has a gnomAD v4.1 allele frequency of 4.458 × 10-5 and is predicted to be deleterious by multiple in silico tools, including CADD (25.3), GERP++_RS (3.55), MutationTaster (deleterious), and PhastCons (0.802).

Literature cited by the submitters: DOI 10.1016/j.jaci.2016.09.050 (cited by Molecular ImmunoRheumatology UMRS_1109, Institut national de la santé et de la recherche médicale); DOI 10.1080/08820139.2022.2072736 (cited by Molecular ImmunoRheumatology UMRS_1109, Institut national de la santé et de la recherche médicale); DOI 10.18502/ijaai.v21i3.9808 (cited by Molecular ImmunoRheumatology UMRS_1109, Institut national de la santé et de la recherche médicale).